The following is an entry in ClinVar:

ClinVar aggregate classification (germline): Uncertain significance. Review status: criteria provided, multiple submitters, no conflicts (2 of 4 stars). 4 submissions from 4 submitters: Uncertain significance (4). Last evaluated 2024-06-21.

Conditions:
Ataxia-telangiectasia-like disorder (ATLD). Identifiers: MedGen C1858391, MONDO:0011457.
Hereditary cancer-predisposing syndrome. Also called: Neoplastic Syndromes, Hereditary; Tumor predisposition; Hereditary Cancer Syndrome; Hereditary neoplastic syndrome. Identifiers: Orphanet 140162, MedGen C0027672, MeSH D009386, MONDO:0015356.
Ataxia-telangiectasia-like disorder 1 (ATLD1). Identifiers: Orphanet 251347, MedGen C4012790, MONDO:0024557, OMIM 604391.

Allele frequency attached by ClinVar (database versions not stated): gnomAD 0.00003; TOPMed 0.00003; ESP Exome Variant Server 0.00008.
gnomAD v4.1: 15 of 1,611,706 alleles (0.00093%); highest among the groups gnomAD compares: African/African-American, 0.02%; no homozygotes.

Submissions (4):

Quest Diagnostics Nichols Institute San Juan Capistrano
Classification: Uncertain significance. Last evaluated: 2024-06-21. Review status: criteria provided, single submitter. Criteria: Quest Diagnostics criteria. Collection method: clinical testing. Allele origin: unknown.

Baylor Genetics
Classification: Uncertain significance for Ataxia-telangiectasia-like disorder 1. Last evaluated: 2023-07-11. Review status: criteria provided, single submitter. Criteria: ACMG Guidelines, 2015. Collection method: clinical testing. Allele origin: unknown.

Ambry Genetics
Classification: Uncertain significance for Hereditary cancer-predisposing syndrome. Last evaluated: 2023-03-15. Review status: criteria provided, single submitter. Criteria: Ambry Variant Classification Scheme 2023. Collection method: clinical testing. Allele origin: germline.
Comment: The p.R364L variant (also known as c.1091G>T), located in coding exon 9 of the MRE11A gene, results from a G to T substitution at nucleotide position 1091. The arginine at codon 364 is replaced by leucine, an amino acid with dissimilar properties. This amino acid position is highly conserved in available vertebrate species. In addition, this alteration is predicted to be deleterious by in silico analysis. Since supporting evidence is limited at this time, the clinical significance of this alteration remains unclear.

Labcorp Genetics (formerly Invitae), Labcorp
Classification: Uncertain significance for Ataxia-telangiectasia-like disorder. Last evaluated: 2021-08-30. Review status: criteria provided, single submitter. Criteria: Invitae Variant Classification Sherloc (09022015). Collection method: clinical testing. Allele origin: germline.
Comment: This sequence change replaces arginine with leucine at codon 364 of the MRE11 protein (p.Arg364Leu). The arginine residue is highly conserved and there is a moderate physicochemical difference between arginine and leucine. This variant is not present in population databases (ExAC no frequency). This variant has not been reported in the literature in individuals affected with MRE11-related conditions. Algorithms developed to predict the effect of missense changes on protein structure and function (SIFT, PolyPhen-2, Align-GVGD) all suggest that this variant is likely to be disruptive. In summary, the available evidence is currently insufficient to determine the role of this variant in disease. Therefore, it has been classified as a Variant of Uncertain Significance.

Literature cited by the submitters: PubMed 35534704 (cited by Quest Diagnostics Nichols Institute San Juan Capistrano); PubMed 32832836 (cited by Quest Diagnostics Nichols Institute San Juan Capistrano).

NM_005591.4(MRE11):c.1091G>T (p.Arg364Leu)

Gene: MRE11 (MRE11 double strand break repair nuclease; minus strand). Cytogenetic location: 11q21.
Variant type: single nucleotide variant.
Coding change: c.1091G>T on transcript NM_005591.4 (MANE Select); coding-DNA position 1091, G replaced by T.
Protein change: p.Arg364Leu; replaces arginine 364 with leucine.
Molecular consequence: missense variant.
Genome position (GRCh38, 1-based): chr11:94,467,820, C>A on the plus strand (G>T on the coding strand, the complement: MRE11 is on the minus strand). VCF-style: chr11-94467820-C-A. GRCh37 (hg19) VCF-style: chr11-94200986-C-A.
Other names: c.1091G>T, p.Arg364Leu (NM_001330347.2, NM_005590.4); short protein forms R364L.
Identifiers: ClinVar variation 466427 (VCV000466427.12), dbSNP rs140528613, ClinGen allele CA226531033.
Genomic context (GRCh38, chr11:94,467,820, plus strand): 5'-CATTACTATGCTTTGAAAATTAATAATATTCAATCTATATAAATAGGACTTACTCGCAGT[C>A]GTACAAGAGGCTTCTCTGGCTGGTGAGAATTACCCAGACGTTCCCGTTCAGCATTTTCAA-3'
Protein context (NP_005582.1, residues 354-374): NSHQPEKPLV[Arg364Leu]LRVDYSGGFE